The following is an entry in ClinVar:

NM_206937.2(LIG4):c.2401_2410del (p.Tyr801fs)

Gene: LIG4 (DNA ligase 4; minus strand). Cytogenetic location: 13q33.3.
Variant type: Deletion.
Coding change: c.2401_2410del on transcript NM_206937.2 (MANE Select); coding-DNA positions 2401 to 2410, 10 bases deleted (TATCGGTATT; older notation c.2401_2410delTATCGGTATT).
Protein change: p.Tyr801fs; shifts the reading frame from tyrosine 801.
Molecular consequence: frameshift variant.
Genome position (GRCh38, 1-based): chr13:108,208,859-108,208,868, AATACCGATA deleted on the plus strand (TATCGGTATT on the coding strand, the reverse complement: LIG4 is on the minus strand). VCF-style (leftmost placement, unchanged base first): chr13-108208858-GAATACCGATA-G. GRCh37 (hg19) VCF-style: chr13-108861206-GAATACCGATA-G.
Other names: c.2401_2410del, p.Tyr801fs (NM_001098268.2, NM_001352598.2, NM_001352599.2 and 6 more transcripts); c.2200_2209del, p.Tyr734fs (NM_001330595.2); c.2437_2446del, p.Tyr813fs (NM_001352604.2); short protein forms Y734fs, Y801fs, Y813fs.
Identifiers: ClinVar variation 1177531 (VCV001177531.3), dbSNP rs2138967445, ClinGen allele CA2499221942.
Genomic context (GRCh38, chr13:108,208,858, plus strand): 5'-GCATACGAGTCCAAATAAACGGTGTGGCGTCGAAACATACTGAGAGGAGAGCAATCCCAG[GAATACCGATA>G]TTCTAAATCAGCAATCAGAGAAGCCATTTCTTCAGGAGTCTGCTCGTTAGAATTTTTAAT-3'

ClinVar aggregate classification (germline): Likely pathogenic (1 of 4 stars; one submission).

Conditions:
DNA ligase IV deficiency. Identifiers: Orphanet 99812, MedGen C1847827, MONDO:0011686, OMIM 606593.

Submission:

Randwick Genomics Laboratory, Prince of Wales Hospital Sydney, Australia, New South Wales Health Pathology
Classification: Likely pathogenic for DNA ligase IV deficiency. Review status: criteria provided, single submitter. Criteria: ACMG Guidelines, 2015. Collection method: clinical testing. Allele origin: germline. Inheritance: Autosomal recessive inheritance. Affected: yes. Observed: 1 variant allele, 1 homozygote.
Comment: DNA ligase IV deficiency is a rare primary immunodeficiency that is often associated with other systemic features. Common features include primordial growth failure with severe microcephaly and a spectrum of learning difficulties, immune function that ranges from normal to severe combined immunodeficiency, marrow hypoplasia and a predisposition to lymphoid malignancy. Radial ray anomalies and atrophic/ dysplastic kidneys have also been reported in this condition (PMID 32534991). The homozygous LIG4:c.2401_2410del is a deletion of 10bp in exon 2 which is the sole coding exon of this gene. This variant creates a frame shift starting at codon Tyr801 which is replaced by a proline, and followed by the insertion of an irrelevant peptide from another reading frame before ending in a STOP codon at position 26. This variant is not expected to be subject to nonsense mediated mRNA decay, but is predicted to truncate the protein by greater than 10 percent. The putative truncation event removes an entire functional domain of the protein; the BRCA1 C Terminus (BRCT) domain (PF00533). This variant has not been previously reported in the medical literature, is absent from the ClinVar and HGMD mutation databases and is not recorded in gnomAD. ACMG Classification. the LIG4:c.2401_2410del | p.(Tyr801Profs*26) variant is classified as likely pathogenic as it has the following properties: PVS1_strong: the deleted region is critical to protein function PM2: Absent from controls PM3_supporting: Homozygous LoF variants

Literature cited by the submitters: PubMed 32534991.